The following is an entry in ClinVar:

NM_025137.4(SPG11):c.6539A>T (p.His2180Leu)

Gene: SPG11 (SPG11 vesicle trafficking associated, spatacsin; minus strand). Cytogenetic location: 15q21.1.
Variant type: single nucleotide variant.
Coding change: c.6539A>T on transcript NM_025137.4 (MANE Select); coding-DNA position 6539, A replaced by T.
Protein change: p.His2180Leu; replaces histidine 2180 with leucine.
Molecular consequence: missense variant.
Genome position (GRCh38, 1-based): chr15:44,569,444, T>A on the plus strand (A>T on the coding strand, the complement: SPG11 is on the minus strand). VCF-style: chr15-44569444-T-A. GRCh37 (hg19) VCF-style: chr15-44861642-T-A.
Other names: c.6200A>T, p.His2067Leu (NM_001160227.2); c.6539A>T (NM_025137.3); short protein forms H2067L, H2180L.
Identifiers: ClinVar variation 1494479 (VCV001494479.6), dbSNP rs1470051584, ClinGen allele CA392215883.
Genomic context (GRCh38, chr15:44,569,444, plus strand): 5'-TACTTTGCACCTACCGGATCCAACTTCTTCCTCATTAGCACTTCAAAGTAGTGCTTTTTA[T>A]GCAGCAAATCAAATATGTATGTCATCTCGTTGTACCTTCCAATGCCAGTGAGGAGCCGTA-3'
Protein context (NP_079413.3, residues 2170-2190): NEMTYIFDLL[His2180Leu]KKHYFEVLMR

ClinVar aggregate classification (germline): Uncertain significance. Review status: criteria provided, multiple submitters, no conflicts (2 of 4 stars). 2 submissions from 2 submitters: Uncertain significance (2). Last evaluated 2025-02-08.

Conditions:
Hereditary spastic paraplegia 11. Also called: Nakamura Osame syndrome; Autosomal recessive hereditary spastic paraplegia, mental impairment, and thin corpus callosum; SPASTIC PARAPLEGIA, AUTOSOMAL RECESSIVE, COMPLICATED, WITH THIN CORPUS CALLOSUM; SPASTIC PARAPLEGIA, AUTOSOMAL RECESSIVE, WITH MENTAL IMPAIRMENT AND THIN CORPUS CALLOSUM; Spastic paraplegia, mental retardation and thin corpus callosum; Spastic Paraplegia 11. Identifiers: Orphanet 2822, MedGen C1858479, MONDO:0011445, OMIM 604360.
Inborn genetic diseases. Identifiers: MedGen C0950123, MeSH D030342.

Allele frequency attached by ClinVar (database versions not stated): gnomAD exomes below 0.00001; gnomAD 0.00002; TOPMed 0.00002.
gnomAD v4.1: 4 of 1,607,158 alleles (0.00025%); highest among the groups gnomAD compares: Non-Finnish European, 0.00034%; no homozygotes.

Submissions (2):

Ambry Genetics
Classification: Uncertain significance for Inborn genetic diseases. Last evaluated: 2025-02-08. Review status: criteria provided, single submitter. Criteria: Ambry Variant Classification Scheme 2023. Collection method: clinical testing. Allele origin: germline.

Labcorp Genetics (formerly Invitae), Labcorp
Classification: Uncertain significance for Hereditary spastic paraplegia 11. Last evaluated: 2021-08-27. Review status: criteria provided, single submitter. Criteria: Invitae Variant Classification Sherloc (09022015). Collection method: clinical testing. Allele origin: germline.
Comment: This sequence change replaces histidine with leucine at codon 2180 of the SPG11 protein (p.His2180Leu). The histidine residue is highly conserved and there is a moderate physicochemical difference between histidine and leucine. This variant is not present in population databases (ExAC no frequency). This variant has not been reported in the literature in individuals affected with SPG11-related conditions. Algorithms developed to predict the effect of missense changes on protein structure and function are either unavailable or do not agree on the potential impact of this missense change (SIFT: "Tolerated"; PolyPhen-2: "Possibly Damaging"; Align-GVGD: "Class C0"). In summary, the available evidence is currently insufficient to determine the role of this variant in disease. Therefore, it has been classified as a Variant of Uncertain Significance.